The following is an entry in ClinVar:

ClinVar aggregate classification (germline): Uncertain significance (1 of 4 stars; one submission).

Conditions:
Hyperekplexia 2 (HKPX2). Identifiers: Orphanet 3197, MedGen C3553291, MONDO:0013828, OMIM 614619.

Allele frequency attached by ClinVar (database versions not stated): gnomAD exomes below 0.00001; gnomAD 0.00001; ExAC 0.00002; TOPMed 0.00002.
gnomAD v4.1: 4 of 1,284,816 alleles (0.00031%); highest among the groups gnomAD compares: Admixed American, 0.0069%; no homozygotes.

Submission:

Labcorp Genetics (formerly Invitae), Labcorp
Classification: Uncertain significance for Hyperekplexia 2. Last evaluated: 2022-07-06. Review status: criteria provided, single submitter. Criteria: Invitae Variant Classification Sherloc (09022015). Collection method: clinical testing. Allele origin: germline.
Comment: This sequence change replaces aspartic acid, which is acidic and polar, with valine, which is neutral and non-polar, at codon 81 of the GLRB protein (p.Asp81Val). This variant is present in population databases (rs748982851, gnomAD 0.009%). This variant has not been reported in the literature in individuals affected with GLRB-related conditions. Advanced modeling of protein sequence and biophysical properties (such as structural, functional, and spatial information, amino acid conservation, physicochemical variation, residue mobility, and thermodynamic stability) performed at Invitae indicates that this missense variant is not expected to disrupt GLRB protein function. In summary, the available evidence is currently insufficient to determine the role of this variant in disease. Therefore, it has been classified as a Variant of Uncertain Significance.

NM_000824.5(GLRB):c.242A>T (p.Asp81Val)

Gene: GLRB (glycine receptor beta; plus strand). Cytogenetic location: 4q32.1.
Variant type: single nucleotide variant.
Coding change: c.242A>T on transcript NM_000824.5 (MANE Select); coding-DNA position 242, A replaced by T.
Protein change: p.Asp81Val; replaces aspartic acid 81 with valine.
Molecular consequence: missense variant.
Genome position (GRCh38, 1-based): chr4:157,122,342, A>T. VCF-style: chr4-157122342-A-T. GRCh37 (hg19) VCF-style: chr4-158043494-A-T.
Other names: c.242A>T, p.Asp81Val (NM_001166060.2, NM_001166061.2); short protein forms D81V.
Identifiers: ClinVar variation 2146379 (VCV002146379.1), dbSNP rs748982851, ClinGen allele CA3119699.